The following is an entry in ClinVar:

ClinVar aggregate classification (germline): Uncertain significance. Review status: criteria provided, multiple submitters, no conflicts (2 of 4 stars). 4 submissions from 4 submitters: Uncertain significance (4). Last evaluated 2025-06-02.

Conditions:
Succinate-semialdehyde dehydrogenase deficiency (SSADHD). Also called: Succinic Semialdehyde Dehydrogenase Deficiency; SSADH DEFICIENCY; GABA METABOLIC DEFECT; 4-HYDROXYBUTYRIC ACIDURIA. Identifiers: Orphanet 22, MedGen C0268631, MONDO:0010083, OMIM 271980.

Allele frequency attached by ClinVar (database versions not stated): gnomAD exomes 0.00001 and 0.00005; ExAC 0.00010; gnomAD 0.00013 and 0.00015; ESP Exome Variant Server 0.00015; TOPMed 0.00015; 1000 Genomes Project 30x 0.00016; 1000 Genomes Project 0.00020.
gnomAD v4.1: 31 of 1,613,886 alleles (0.0019%); highest among the groups gnomAD compares: African/African-American, 0.035%; no homozygotes.

Submissions (4):

GeneDx
Classification: Uncertain significance. Last evaluated: 2025-06-02. Review status: criteria provided, single submitter. Criteria: GeneDx Variant Classification Process June 2021. Collection method: clinical testing. Allele origin: germline. Affected: yes.
Comment: In silico analysis supports that this missense variant has a deleterious effect on protein structure/function; Has not been previously published as pathogenic or benign to our knowledge

Labcorp Genetics (formerly Invitae), Labcorp
Classification: Uncertain significance for Succinate-semialdehyde dehydrogenase deficiency. Last evaluated: 2024-12-07. Review status: criteria provided, single submitter. Criteria: Invitae Variant Classification Sherloc (09022015). Collection method: clinical testing. Allele origin: germline.
Comment: This sequence change replaces threonine, which is neutral and polar, with isoleucine, which is neutral and non-polar, at codon 439 of the ALDH5A1 protein (p.Thr439Ile). This variant is present in population databases (rs139633130, gnomAD 0.05%). This missense change has been observed in individual(s) with clinical features of succinic semialdehyde dehydrogenase (internal data). ClinVar contains an entry for this variant (Variation ID: 377460). Invitae Evidence Modeling of protein sequence and biophysical properties (such as structural, functional, and spatial information, amino acid conservation, physicochemical variation, residue mobility, and thermodynamic stability) indicates that this missense variant is not expected to disrupt ALDH5A1 protein function with a negative predictive value of 80%. In summary, the available evidence is currently insufficient to determine the role of this variant in disease. Therefore, it has been classified as a Variant of Uncertain Significance.

Women's Health and Genetics/Laboratory Corporation of America, LabCorp
Classification: Uncertain significance. Last evaluated: 2022-08-18. Review status: criteria provided, single submitter. Criteria: LabCorp Variant Classification Summary - May 2015. Collection method: clinical testing. Allele origin: germline.
Comment: Variant summary: ALDH5A1 c.1316C>T (p.Thr439Ile) results in a non-conservative amino acid change located in the aldehyde dehydrogenase domain (IPR015590) of the encoded protein sequence. Three of five in-silico tools predict a damaging effect of the variant on protein function. The variant allele was found at a frequency of 5.2e-05 in 251344 control chromosomes (gnomAD), predominantly at a frequency of 0.00074 within the African or African-American subpopulation in the gnomAD database. To our knowledge, no occurrence of c.1316C>T in individuals affected with Succinic Semialdehyde Dehydrogenase Deficiency and no experimental evidence demonstrating its impact on protein function have been reported in the literature. Two clinical diagnostic laboratories have submitted clinical-significance assessments for this variant to ClinVar after 2014 and both classified the variant as uncertain significance. Based on the evidence outlined above, the variant was classified as uncertain significance.

Breakthrough Genomics
Classification: Uncertain significance. Review status: criteria provided, single submitter. Criteria: ACMG Guidelines, 2015. Collection method: not provided. Allele origin: germline. Inheritance: Autosomal recessive inheritance. Affected: yes.

NM_001080.3(ALDH5A1):c.1316C>T (p.Thr439Ile)

Gene: ALDH5A1 (aldehyde dehydrogenase 5 family member A1; plus strand). Cytogenetic location: 6p22.3.
Variant type: single nucleotide variant.
Coding change: c.1316C>T on transcript NM_001080.3 (MANE Select); coding-DNA position 1316, C replaced by T.
Protein change: p.Thr439Ile; replaces threonine 439 with isoleucine.
Molecular consequence: missense variant.
Genome position (GRCh38, 1-based): chr6:24,528,139, C>T. VCF-style: chr6-24528139-C-T. GRCh37 (hg19) VCF-style: chr6-24528367-C-T.
Other names: c.1172C>T, p.Thr391Ile (NM_001368954.1); c.1355C>T, p.Thr452Ile (NM_170740.1); short protein forms T439I, T452I, T391I.
Identifiers: ClinVar variation 377460 (VCV000377460.20), dbSNP rs139633130, ClinGen allele CA3656902.